The following is an entry in ClinVar:

NM_213720.3(CHCHD10):c.67C>A (p.Pro23Thr)

Gene: CHCHD10 (coiled-coil-helix-coiled-coil-helix domain containing 10; minus strand). Cytogenetic location: 22q11.23.
Variant type: single nucleotide variant.
Coding change: c.67C>A on transcript NM_213720.3 (MANE Select); coding-DNA position 67, C replaced by A.
Protein change: p.Pro23Thr; replaces proline 23 with threonine.
Molecular consequence: missense variant.
Genome position (GRCh38, 1-based): chr22:23,767,568, G>T on the plus strand (C>A on the coding strand, the complement: CHCHD10 is on the minus strand). VCF-style: chr22-23767568-G-T. GRCh37 (hg19) VCF-style: chr22-24109755-G-T.
Other names: c.67C>A (NM_213720.1); c.67C>A, p.Pro23Thr (NM_001301339.2); short protein forms P23T.
Identifiers: ClinVar variation 2138420 (VCV002138420.6), dbSNP rs950020917, ClinGen allele CA322574078.

ClinVar aggregate classification (germline): Uncertain significance. Review status: criteria provided, multiple submitters, no conflicts (2 of 4 stars). 2 submissions from 2 submitters: Uncertain significance (2). Last evaluated 2025-10-17.

Conditions:
Lower motor neuron syndrome with late-adult onset (SMAJ). Also called: Spinal muscular atrophy, Jokela type; Late-Onset Spinal Motor Neuronopathy (SMAJ). Identifiers: Orphanet 276435, MedGen C3554398, MONDO:0014025, OMIM 615048.
Frontotemporal dementia and/or amyotrophic lateral sclerosis 2. Also called: FTDALS2. Identifiers: Orphanet 275872, MedGen C4014648, MONDO:0014395, OMIM 615911.
Autosomal dominant mitochondrial myopathy with exercise intolerance (IMMD). Also called: Myopathy, isolated mitochondrial, autosomal dominant. Identifiers: Orphanet 457050, MedGen C4015513, MONDO:0014532, OMIM 616209.
Inborn genetic diseases. Identifiers: MedGen C0950123, MeSH D030342.

Allele frequency attached by ClinVar (database versions not stated): 1000 Genomes Project 30x 0.00016; TOPMed 0.00002.
gnomAD v4.1: 4 of 1,346,396 alleles (0.0003%); highest among the groups gnomAD compares: Admixed American, 0.0076%; no homozygotes.

Submissions (2):

Labcorp Genetics (formerly Invitae), Labcorp
Classification: Uncertain significance for Lower motor neuron syndrome with late-adult onset; Frontotemporal dementia and/or amyotrophic lateral sclerosis 2; Autosomal dominant mitochondrial myopathy with exercise intolerance. Last evaluated: 2025-10-17. Review status: criteria provided, single submitter. Criteria: Invitae Variant Classification Sherloc (09022015). Collection method: clinical testing. Allele origin: germline.
Comment: This sequence change replaces proline, which is neutral and non-polar, with threonine, which is neutral and polar, at codon 23 of the CHCHD10 protein (p.Pro23Thr). This variant is not present in population databases (gnomAD no frequency). This missense change has been observed in individual(s) with frontotemporal lobar degeneration (PMID: 25833818). ClinVar contains an entry for this variant (Variation ID: 2138420). Algorithms developed to predict the effect of variants on gene product structure and function are not available or were not evaluated for this variant. Experimental studies have shown that this missense change does not substantially affect CHCHD10 function (PMID: 29789341). In summary, the available evidence is currently insufficient to determine the role of this variant in disease. Therefore, it has been classified as a Variant of Uncertain Significance.

Ambry Genetics
Classification: Uncertain significance for Inborn genetic diseases. Last evaluated: 2023-06-21. Review status: criteria provided, single submitter. Criteria: Ambry Variant Classification Scheme 2023. Collection method: clinical testing. Allele origin: germline.

Literature cited by the submitters: PubMed 25833818 (cited by Labcorp Genetics (formerly Invitae), Labcorp and Ambry Genetics); PubMed 29789341 (cited by Labcorp Genetics (formerly Invitae), Labcorp and Ambry Genetics).